The following is an entry in ClinVar:

NM_003626.5(PPFIA1):c.1692A>C (p.Arg564=)

Gene: PPFIA1 (PPFI scaffold protein A1; plus strand). Cytogenetic location: 11q13.3.
Variant type: single nucleotide variant.
Coding change: c.1692A>C on transcript NM_003626.5 (MANE Select); coding-DNA position 1692, A replaced by C.
Protein change: p.Arg564=; no amino-acid change (arginine 564 retained).
Molecular consequence: synonymous variant. On other transcripts: non-coding transcript variant (1).
Genome position (GRCh38, 1-based): chr11:70,339,291, A>C. VCF-style: chr11-70339291-A-C. GRCh37 (hg19) VCF-style: chr11-70185397-A-C.
Other names: c.1767A>C, p.Arg589= (NM_001378006.1); c.1692A>C, p.Arg564= (NM_177423.3).
Identifiers: ClinVar variation 2642054 (VCV002642054.24), dbSNP rs2055166695, ClinGen allele CA475243073.

ClinVar aggregate classification (germline): Likely benign (1 of 4 stars; one submission).

Submission:

CeGaT Center for Human Genetics Tuebingen
Classification: Likely benign. Last evaluated: 2026-08-01. Review status: criteria provided, single submitter. Criteria: CeGaT Center For Human Genetics Tuebingen Variant Classification Criteria Version 2. Collection method: clinical testing. Allele origin: germline. Affected: yes. Observed: 7 variant alleles.
Comment: PPFIA1: PM2:Supporting, BP4, BP7